The following is an entry in ClinVar:

ClinVar aggregate classification (germline): Uncertain significance. Review status: criteria provided, multiple submitters, no conflicts (2 of 4 stars). 5 submissions from 5 submitters: Uncertain significance (4). 1 of the submissions does not count toward it. Last evaluated 2024-11-09.

Conditions:
Congenital myasthenic syndrome (CMS). Also called: Congenital Myasthenic Syndromes. Identifiers: Orphanet 590, MedGen C0751882, MeSH D020294, MONDO:0018940.
Congenital myasthenic syndrome 4A. Also called: Myasthenic syndrome, congenital, 4a, slow-channel; MYASTHENIC SYNDROME, CONGENITAL, 4A, SLOW-CHANNEL, AUTOSOMAL RECESSIVE; CONGENITAL MYASTHENIC SYNDROME TYPE Ia1. Identifiers: Orphanet 590, MedGen C4225413, MONDO:0011600, OMIM 605809.
Inborn genetic diseases. Identifiers: MedGen C0950123, MeSH D030342.

Allele frequency attached by ClinVar (database versions not stated): gnomAD 0.00001 and 0.00002; ExAC 0.00002; gnomAD exomes 0.00003 and 0.00004; TOPMed 0.00010.
gnomAD v4.1: 61 of 1,604,692 alleles (0.0038%); highest among the groups gnomAD compares: Non-Finnish European, 0.0043%; no homozygotes.

Submissions (5):

Labcorp Genetics (formerly Invitae), Labcorp
Classification: Uncertain significance for Congenital myasthenic syndrome 4A. Last evaluated: 2024-11-09. Review status: criteria provided, single submitter. Criteria: Invitae Variant Classification Sherloc (09022015). Collection method: clinical testing. Allele origin: germline.
Comment: This sequence change replaces threonine, which is neutral and polar, with isoleucine, which is neutral and non-polar, at codon 404 of the CHRNE protein (p.Thr404Ile). This variant is present in population databases (rs747853975, gnomAD 0.006%). This variant has not been reported in the literature in individuals affected with CHRNE-related conditions. ClinVar contains an entry for this variant (Variation ID: 585673). Invitae Evidence Modeling of protein sequence and biophysical properties (such as structural, functional, and spatial information, amino acid conservation, physicochemical variation, residue mobility, and thermodynamic stability) indicates that this missense variant is not expected to disrupt CHRNE protein function with a negative predictive value of 95%. In summary, the available evidence is currently insufficient to determine the role of this variant in disease. Therefore, it has been classified as a Variant of Uncertain Significance.

Ambry Genetics
Classification: Uncertain significance for Inborn genetic diseases. Last evaluated: 2024-06-13. Review status: criteria provided, single submitter. Criteria: Ambry Variant Classification Scheme 2023. Collection method: clinical testing. Allele origin: germline.

Revvity Omics, Revvity
Classification: Uncertain significance. Last evaluated: 2020-02-27. Review status: criteria provided, single submitter. Criteria: ACMG Guidelines, 2015. Collection method: clinical testing. Allele origin: germline.

Athena Diagnostics
Classification: Uncertain significance. Last evaluated: 2017-10-06. Review status: criteria provided, single submitter. Criteria: Athena Diagnostics Criteria. Collection method: clinical testing. Allele origin: germline.

Natera, Inc.
Classification: Uncertain significance for Congenital myasthenic syndrome. Last evaluated: 2019-10-28. Review status: no assertion criteria provided. Collection method: clinical testing. Allele origin: germline. Not counted in ClinVar's aggregate classification.

NM_000080.4(CHRNE):c.1211C>T (p.Thr404Ile)

Genes: CHRNE (cholinergic receptor nicotinic epsilon subunit; minus strand), LOC130060040 (ATAC-STARR-seq lymphoblastoid silent region 8049; plus strand). Cytogenetic location: 17p13.2.
Variant type: single nucleotide variant.
Coding change: c.1211C>T on transcript NM_000080.4 (MANE Select); coding-DNA position 1211, C replaced by T.
Protein change: p.Thr404Ile; replaces threonine 404 with isoleucine.
Molecular consequence: missense variant.
Genome position (GRCh38, 1-based): chr17:4,899,206, G>A on the plus strand (C>T on the coding strand, the complement: CHRNE is on the minus strand). VCF-style: chr17-4899206-G-A. GRCh37 (hg19) VCF-style: chr17-4802501-G-A.
Other names: c.1211C>T, p.Thr404Ile (LRG_1254t1); short protein forms T404I.
Identifiers: ClinVar variation 585673 (VCV000585673.9), dbSNP rs747853975, ClinGen allele CA8313981.